The following is an entry in ClinVar:

ClinVar aggregate classification (germline): Uncertain significance. Review status: criteria provided, multiple submitters, no conflicts (2 of 4 stars). 2 submissions from 2 submitters: Uncertain significance (2). Last evaluated 2023-11-20.

Conditions:
Inborn genetic diseases. Identifiers: MedGen C0950123, MeSH D030342.

Allele frequency attached by ClinVar (database versions not stated): gnomAD 0.00001; TOPMed 0.00001.
gnomAD v4.1: 33 of 1,613,980 alleles (0.002%); highest among the groups gnomAD compares: Non-Finnish European, 0.0028%; no homozygotes.

Submissions (2):

Ambry Genetics
Classification: Uncertain significance for Inborn genetic diseases. Last evaluated: 2023-11-20. Review status: criteria provided, single submitter. Criteria: Ambry Variant Classification Scheme 2023. Collection method: clinical testing. Allele origin: germline.

Labcorp Genetics (formerly Invitae), Labcorp
Classification: Uncertain significance. Last evaluated: 2022-06-13. Review status: criteria provided, single submitter. Criteria: Invitae Variant Classification Sherloc (09022015). Collection method: clinical testing. Allele origin: germline.
Comment: This sequence change replaces glutamic acid, which is acidic and polar, with lysine, which is basic and polar, at codon 986 of the DUOX2 protein (p.Glu986Lys). This variant is not present in population databases (gnomAD no frequency). This variant has not been reported in the literature in individuals affected with DUOX2-related conditions. Advanced modeling of protein sequence and biophysical properties (such as structural, functional, and spatial information, amino acid conservation, physicochemical variation, residue mobility, and thermodynamic stability) performed at Invitae indicates that this missense variant is not expected to disrupt DUOX2 protein function. Algorithms developed to predict the effect of sequence changes on RNA splicing suggest that this variant may disrupt the consensus splice site. In summary, the available evidence is currently insufficient to determine the role of this variant in disease. Therefore, it has been classified as a Variant of Uncertain Significance.

NM_001363711.2(DUOX2):c.2956G>A (p.Glu986Lys)

Gene: DUOX2 (dual oxidase 2; minus strand). Cytogenetic location: 15q21.1.
Variant type: single nucleotide variant.
Coding change: c.2956G>A on transcript NM_001363711.2 (MANE Select); coding-DNA position 2956, G replaced by A.
Protein change: p.Glu986Lys; replaces glutamic acid 986 with lysine.
Molecular consequence: missense variant.
Genome position (GRCh38, 1-based): chr15:45,100,804, C>T on the plus strand (G>A on the coding strand, the complement: DUOX2 is on the minus strand). VCF-style: chr15-45100804-C-T. GRCh37 (hg19) VCF-style: chr15-45393002-C-T.
Other names: c.2956G>A, p.Glu986Lys (NM_014080.5); c.2956G>A (NM_014080.4); short protein forms E986K.
Identifiers: ClinVar variation 1487228 (VCV001487228.6), dbSNP rs1470209413, ClinGen allele CA392264689.